The following is an entry in ClinVar:

NM_005477.3(HCN4):c.1355C>T (p.Ser452Phe)

Gene: HCN4 (hyperpolarization activated cyclic nucleotide gated potassium channel 4; minus strand). Cytogenetic location: 15q24.1.
Variant type: single nucleotide variant.
Coding change: c.1355C>T on transcript NM_005477.3 (MANE Select); coding-DNA position 1355, C replaced by T.
Protein change: p.Ser452Phe; replaces serine 452 with phenylalanine.
Molecular consequence: missense variant.
Genome position (GRCh38, 1-based): chr15:73,332,147, G>A on the plus strand (C>T on the coding strand, the complement: HCN4 is on the minus strand). VCF-style: chr15-73332147-G-A. GRCh37 (hg19) VCF-style: chr15-73624488-G-A.
Other names: short protein forms S452F.
Identifiers: ClinVar variation 3709978 (VCV003709978.2).

ClinVar aggregate classification (germline): Uncertain significance (1 of 4 stars; one submission).

Conditions:
Brugada syndrome 8 (BRGDA8). Identifiers: Orphanet 130, MedGen C2751083, MONDO:0013148, OMIM 613123.

gnomAD v4.1: 7 of 1,614,086 alleles (0.00043%); highest among the groups gnomAD compares: Non-Finnish European, 0.00059%; no homozygotes.

Submission:

Labcorp Genetics (formerly Invitae), Labcorp
Classification: Uncertain significance for Brugada syndrome 8. Last evaluated: 2025-03-09. Review status: criteria provided, single submitter. Criteria: Invitae Variant Classification Sherloc (09022015). Collection method: clinical testing. Allele origin: germline.
Comment: This sequence change replaces serine, which is neutral and polar, with phenylalanine, which is neutral and non-polar, at codon 452 of the HCN4 protein (p.Ser452Phe). This variant is not present in population databases (gnomAD no frequency). This variant has not been reported in the literature in individuals affected with HCN4-related conditions. Invitae Evidence Modeling of protein sequence and biophysical properties (such as structural, functional, and spatial information, amino acid conservation, physicochemical variation, residue mobility, and thermodynamic stability) has been performed for this missense variant. However, the output from this modeling did not meet the statistical confidence thresholds required to predict the impact of this variant on HCN4 protein function. In summary, the available evidence is currently insufficient to determine the role of this variant in disease. Therefore, it has been classified as a Variant of Uncertain Significance.